The following is an entry in ClinVar:

ClinVar aggregate classification (germline): Uncertain significance (1 of 4 stars; one submission).

Allele frequency attached by ClinVar (database versions not stated): ExAC 0.00001; TOPMed 0.00002; ESP Exome Variant Server 0.00008; gnomAD 0.00003.
gnomAD v4.1: 6 of 1,614,136 alleles (0.00037%); highest among the groups gnomAD compares: African/African-American, 0.0067%; no homozygotes.

Submission:

Labcorp Genetics (formerly Invitae), Labcorp
Classification: Uncertain significance. Last evaluated: 2022-02-01. Review status: criteria provided, single submitter. Criteria: Invitae Variant Classification Sherloc (09022015). Collection method: clinical testing. Allele origin: germline.
Comment: In summary, the available evidence is currently insufficient to determine the role of this variant in disease. Therefore, it has been classified as a Variant of Uncertain Significance. Algorithms developed to predict the effect of missense changes on protein structure and function are either unavailable or do not agree on the potential impact of this missense change (SIFT: "Deleterious"; PolyPhen-2: "Benign"; Align-GVGD: "Class C0"). This variant has not been reported in the literature in individuals affected with DHX32-related conditions. This variant is present in population databases (rs375352043, gnomAD 0.02%). This sequence change replaces aspartic acid, which is acidic and polar, with asparagine, which is neutral and polar, at codon 585 of the DHX32 protein (p.Asp585Asn).

NM_018180.3(DHX32):c.1753G>A (p.Asp585Asn)

Genes: BCCIP (BRCA2 and CDKN1A interacting protein; plus strand), DHX32 (DEAH-box helicase 32 (putative); minus strand). Cytogenetic location: 10q26.2.
Variant type: single nucleotide variant.
Coding change: c.1753G>A on transcript NM_018180.3 (MANE Select); coding-DNA position 1753, G replaced by A.
Protein change: p.Asp585Asn; replaces aspartic acid 585 with asparagine.
Molecular consequence: missense variant. On other transcripts: intron variant (2).
Genome position (GRCh38, 1-based): chr10:125,839,129, C>T on the plus strand (G>A on the coding strand, the complement: DHX32 is on the minus strand). VCF-style: chr10-125839129-C-T. GRCh37 (hg19) VCF-style: chr10-127527698-C-T.
Other names: c.775-2126C>T (NM_016567.4, NM_078469.3); short protein forms D585N.
Identifiers: ClinVar variation 1954601 (VCV001954601.5), dbSNP rs375352043, ClinGen allele CA5739062.